The following is an entry in ClinVar:

ClinVar aggregate classification (germline): Uncertain significance. Review status: criteria provided, multiple submitters, no conflicts (2 of 4 stars). 3 submissions from 3 submitters: Uncertain significance (3). Last evaluated 2026-03-12.

Conditions:
Inborn genetic diseases. Identifiers: MedGen C0950123, MeSH D030342.

Allele frequency attached by ClinVar (database versions not stated): TOPMed 0.00001; ExAC 0.00002; gnomAD exomes 0.00002; gnomAD 0.00003.
gnomAD v4.1: 32 of 1,613,702 alleles (0.002%); highest among the groups gnomAD compares: South Asian, 0.0044%; no homozygotes.

Submissions (3):

GeneDx
Classification: Uncertain significance. Last evaluated: 2026-03-12. Review status: criteria provided, single submitter. Criteria: GeneDx Variant Classification Process June 2021. Collection method: clinical testing. Allele origin: germline.
Comment: In silico analysis supports that this missense variant has a deleterious effect on protein structure/function; Has not been previously published as pathogenic or benign to our knowledge

Labcorp Genetics (formerly Invitae), Labcorp
Classification: Uncertain significance. Last evaluated: 2025-03-31. Review status: criteria provided, single submitter. Criteria: Invitae Variant Classification Sherloc (09022015). Collection method: clinical testing. Allele origin: germline.
Comment: This sequence change replaces serine, which is neutral and polar, with leucine, which is neutral and non-polar, at codon 1051 of the LAMA1 protein (p.Ser1051Leu). This variant is present in population databases (rs758572977, gnomAD 0.01%). This variant has not been reported in the literature in individuals affected with LAMA1-related conditions. ClinVar contains an entry for this variant (Variation ID: 1510808). Invitae Evidence Modeling of protein sequence and biophysical properties (such as structural, functional, and spatial information, amino acid conservation, physicochemical variation, residue mobility, and thermodynamic stability) indicates that this missense variant is expected to disrupt LAMA1 protein function with a positive predictive value of 80%. In summary, the available evidence is currently insufficient to determine the role of this variant in disease. Therefore, it has been classified as a Variant of Uncertain Significance.

Ambry Genetics
Classification: Uncertain significance for Inborn genetic diseases. Last evaluated: 2023-02-27. Review status: criteria provided, single submitter. Criteria: Ambry Variant Classification Scheme 2023. Collection method: clinical testing. Allele origin: germline.

NM_005559.4(LAMA1):c.3152C>T (p.Ser1051Leu)

Gene: LAMA1 (laminin subunit alpha 1; minus strand). Cytogenetic location: 18p11.31.
Variant type: single nucleotide variant.
Coding change: c.3152C>T on transcript NM_005559.4 (MANE Select); coding-DNA position 3152, C replaced by T.
Protein change: p.Ser1051Leu; replaces serine 1051 with leucine.
Molecular consequence: missense variant.
Genome position (GRCh38, 1-based): chr18:7,014,026, G>A on the plus strand (C>T on the coding strand, the complement: LAMA1 is on the minus strand). VCF-style: chr18-7014026-G-A. GRCh37 (hg19) VCF-style: chr18-7014025-G-A.
Other names: c.3152C>T (NM_005559.3); short protein forms S1051L.
Identifiers: ClinVar variation 1510808 (VCV001510808.10), dbSNP rs758572977, ClinGen allele CA8882375.
Genomic context (GRCh38, chr18:7,014,026, plus strand): 5'-CCACCAAATTTTGACTTGCACTGGCAATGGCCGGTGACCACATCGCACCGATGATGAGTC[G>A]ACCCCACGAGACTGCAATTGCAGGCCTGAGAGAAGGGAAAACCAACTCAATTAAAAAGGC-3'
Protein context (NP_005550.2, residues 1041-1061): CQACNCSLVG[Ser1051Leu]THHRCDVVTG